The following is an entry in ClinVar:

ClinVar aggregate classification (germline): Uncertain significance (1 of 4 stars; one submission).

gnomAD v4.1: 10 of 1,595,704 alleles (0.00063%); highest among the groups gnomAD compares: South Asian, 0.011%; no homozygotes.

Submission:

Labcorp Genetics (formerly Invitae), Labcorp
Classification: Uncertain significance. Last evaluated: 2021-02-23. Review status: criteria provided, single submitter. Criteria: Invitae Variant Classification Sherloc (09022015). Collection method: clinical testing. Allele origin: germline.
Comment: Algorithms developed to predict the effect of missense changes on protein structure and function are either unavailable or do not agree on the potential impact of this missense change (SIFT: "Deleterious"; PolyPhen-2: "Possibly Damaging"; Align-GVGD: "Class C0"). In summary, the available evidence is currently insufficient to determine the role of this variant in disease. Therefore, it has been classified as a Variant of Uncertain Significance. This variant has not been reported in the literature in individuals with IMPG2-related conditions. This variant is present in population databases (rs536600165, ExAC 0.02%). This sequence change replaces glutamine with histidine at codon 579 of the IMPG2 protein (p.Gln579His). The glutamine residue is moderately conserved and there is a small physicochemical difference between glutamine and histidine.

NM_016247.4(IMPG2):c.1737A>T (p.Gln579His)

Gene: IMPG2 (interphotoreceptor matrix proteoglycan 2; minus strand). Cytogenetic location: 3q12.3.
Variant type: single nucleotide variant.
Coding change: c.1737A>T on transcript NM_016247.4 (MANE Select); coding-DNA position 1737, A replaced by T.
Protein change: p.Gln579His; replaces glutamine 579 with histidine.
Molecular consequence: missense variant.
Genome position (GRCh38, 1-based): chr3:101,244,594, T>A on the plus strand (A>T on the coding strand, the complement: IMPG2 is on the minus strand). VCF-style: chr3-101244594-T-A. GRCh37 (hg19) VCF-style: chr3-100963438-T-A.
Other names: short protein forms Q579H.
Identifiers: ClinVar variation 1512203 (VCV001512203.8), dbSNP rs536600165, ClinGen allele CA2519101.
Genomic context (GRCh38, chr3:101,244,594, plus strand): 5'-ACCGTCAAATATTAACTCTTTTTCCATGGATGCATCTGGCAGGAAAGGGCTCACTTTTAA[T>A]TGGTCTTTGACTTTGGAGGTCAAGGAGTCCAAGCCAAAAGGTATAGAAGAGGTCAGATAT-3'
Protein context (NP_057331.2, residues 569-589): LDSLTSKVKD[Gln579His]LKVSPFLPDA